The following is an entry in ClinVar:

ClinVar aggregate classification (germline): Conflicting classifications of pathogenicity. Review status: criteria provided, conflicting classifications (1 of 4 stars). 6 submissions from 6 submitters: Uncertain significance (1); Likely benign (4). 1 of the submissions does not count toward it. Last evaluated 2026-01-28.

Conditions:
COL4A1-related disorder. Also called: COL4A1-related condition; COL4A1-related disorders. Identifiers: MedGen CN376119, MONDO:0800461.

Allele frequency attached by ClinVar (database versions not stated): gnomAD exomes 0.00007 and 0.00017; ExAC 0.00023; TOPMed 0.00065; gnomAD 0.00066 and 0.00068; ESP Exome Variant Server 0.00077; 1000 Genomes Project 30x 0.00094; 1000 Genomes Project 0.00120.
gnomAD v4.1: 199 of 1,614,208 alleles (0.012%); highest among the groups gnomAD compares: African/African-American, 0.25%; no homozygotes.

Submissions (6):

Labcorp Genetics (formerly Invitae), Labcorp
Classification: Likely benign. Last evaluated: 2026-01-28. Review status: criteria provided, single submitter. Criteria: Invitae Variant Classification Sherloc (09022015). Collection method: clinical testing. Allele origin: germline.

Mayo Clinic Laboratories, Mayo Clinic
Classification: Likely benign. Last evaluated: 2025-12-11. Review status: criteria provided, single submitter. Criteria: ACMG Guidelines, 2015. Collection method: clinical testing. Allele origin: germline. Observed: 1 variant allele.
Comment: BS1, BP4

CeGaT Center for Human Genetics Tuebingen
Classification: Likely benign. Last evaluated: 2025-07-01. Review status: criteria provided, single submitter. Criteria: CeGaT Center For Human Genetics Tuebingen Variant Classification Criteria Version 2. Collection method: clinical testing. Allele origin: germline. Affected: yes. Observed: 1 variant allele.
Comment: COL4A1: BS1

Blueprint Genetics
Classification: Likely benign. Last evaluated: 2024-09-23. Review status: criteria provided, single submitter. Criteria: ACMG Guidelines, 2015. Collection method: clinical testing. Allele origin: germline.

Revvity Omics, Revvity
Classification: Uncertain significance. Last evaluated: 2024-05-24. Review status: criteria provided, single submitter. Criteria: ACMG Guidelines, 2015. Collection method: clinical testing. Allele origin: germline.

PreventionGenetics, part of Exact Sciences
Classification: Likely benign for COL4A1-related condition. Last evaluated: 2020-06-16. Review status: no assertion criteria provided. Collection method: clinical testing. Allele origin: germline. Not counted in ClinVar's aggregate classification.
Comment: This variant is classified as likely benign based on ACMG/AMP sequence variant interpretation guidelines (Richards et al. 2015 PMID: 25741868, with internal and published modifications).

NM_001845.6(COL4A1):c.2542C>G (p.Gln848Glu)

Gene: COL4A1 (collagen type IV alpha 1 chain; minus strand). Cytogenetic location: 13q34.
Variant type: single nucleotide variant.
Coding change: c.2542C>G on transcript NM_001845.6 (MANE Select); coding-DNA position 2542, C replaced by G.
Protein change: p.Gln848Glu; replaces glutamine 848 with glutamic acid.
Molecular consequence: missense variant.
Genome position (GRCh38, 1-based): chr13:110,178,148, G>C on the plus strand (C>G on the coding strand, the complement: COL4A1 is on the minus strand). VCF-style: chr13-110178148-G-C. GRCh37 (hg19) VCF-style: chr13-110830495-G-C.
Other names: p.Gln848Glu; short protein forms Q848E.
Identifiers: ClinVar variation 772611 (VCV000772611.23), dbSNP rs144207910, ClinGen allele CA7047560.